The following is an entry in ClinVar:

NM_000548.5(TSC2):c.1476G>C (p.Gln492His)

Gene: TSC2 (TSC complex subunit 2; plus strand). Cytogenetic location: 16p13.3.
Variant type: single nucleotide variant.
Coding change: c.1476G>C on transcript NM_000548.5 (MANE Select); coding-DNA position 1476, G replaced by C.
Protein change: p.Gln492His; replaces glutamine 492 with histidine.
Molecular consequence: missense variant.
Genome position (GRCh38, 1-based): chr16:2,064,304, G>C. VCF-style: chr16-2064304-G-C. GRCh37 (hg19) VCF-style: chr16-2114305-G-C.
Other names: c.1476G>C, p.Gln492His (NM_001077183.3, NM_001114382.3, NM_001363528.2 and 3 more transcripts); c.1365G>C, p.Gln455His (NM_001318827.2); c.1329G>C, p.Gln443His (NM_001318829.2); c.876G>C, p.Gln292His (NM_001318831.2); c.1509G>C, p.Gln503His (NM_001318832.2); c.1476G>C (NM_000548.3); short protein forms Q292H, Q443H, Q455H, Q492H, Q503H.
Identifiers: ClinVar variation 973205 (VCV000973205.11), dbSNP rs1596311941, ClinGen allele CA394325789.

ClinVar aggregate classification (germline): Uncertain significance. Review status: criteria provided, multiple submitters, no conflicts (2 of 4 stars). 3 submissions from 3 submitters: Uncertain significance (3). Last evaluated 2025-10-26.

Conditions:
Hereditary cancer-predisposing syndrome. Also called: Tumor predisposition; Hereditary Cancer Syndrome; Neoplastic Syndromes, Hereditary; Hereditary neoplastic syndrome. Identifiers: Orphanet 140162, MedGen C0027672, MeSH D009386, MONDO:0015356.
Tuberous sclerosis 2 (TSC2). Identifiers: Orphanet 805, MedGen C1860707, MONDO:0013199, OMIM 613254.

Allele frequency attached by ClinVar (database versions not stated): gnomAD exomes below 0.00001.
gnomAD v4.1: 1 of 1,613,886 alleles (0.000062%); highest among the groups gnomAD compares: East Asian, 0.0022%; no homozygotes.

Submissions (3):

Labcorp Genetics (formerly Invitae), Labcorp
Classification: Uncertain significance for Tuberous sclerosis 2. Last evaluated: 2025-10-26. Review status: criteria provided, single submitter. Criteria: Invitae Variant Classification Sherloc (09022015). Collection method: clinical testing. Allele origin: germline.
Comment: This sequence change replaces glutamine, which is neutral and polar, with histidine, which is basic and polar, at codon 492 of the TSC2 protein (p.Gln492His). This variant is not present in population databases (gnomAD no frequency). This missense change has been observed in individual(s) with tuberous sclerosis complex (PMID: 36232477). ClinVar contains an entry for this variant (Variation ID: 973205). Invitae Evidence Modeling of protein sequence and biophysical properties (such as structural, functional, and spatial information, amino acid conservation, physicochemical variation, residue mobility, and thermodynamic stability) indicates that this missense variant is not expected to disrupt TSC2 protein function with a negative predictive value of 95%. In summary, the available evidence is currently insufficient to determine the role of this variant in disease. Therefore, it has been classified as a Variant of Uncertain Significance.

Ambry Genetics
Classification: Uncertain significance for Hereditary cancer-predisposing syndrome. Last evaluated: 2023-03-26. Review status: criteria provided, single submitter. Criteria: Ambry Variant Classification Scheme 2023. Collection method: clinical testing. Allele origin: germline.
Comment: The p.Q492H variant (also known as c.1476G>C), located in coding exon 14 of the TSC2 gene, results from a G to C substitution at nucleotide position 1476. The glutamine at codon 492 is replaced by histidine, an amino acid with highly similar properties. This amino acid position is conserved. In addition, the in silico prediction for this alteration is inconclusive. Since supporting evidence is limited at this time, the clinical significance of this alteration remains unclear.

Division of Genomic Medicine, Department of Advanced Medicine, Medical Research Institute, Kanazawa Medical University
Classification: Uncertain significance for Tuberous sclerosis 2. Last evaluated: 2020-07-10. Review status: criteria provided, single submitter. Criteria: ACMG Guidelines, 2015. Collection method: clinical testing. Allele origin: germline. Affected: yes. Observed: 2 variant alleles.

Literature cited by the submitters: PubMed 36232477 (cited by Labcorp Genetics (formerly Invitae), Labcorp).